The following is an entry in ClinVar:

NM_172107.4(KCNQ2):c.388-303G>C

Gene: KCNQ2 (potassium voltage-gated channel subfamily Q member 2; minus strand). Cytogenetic location: 20q13.33.
Variant type: single nucleotide variant.
Coding change: c.388-303G>C on transcript NM_172107.4 (MANE Select); 303 bases into the intron before coding-DNA position 388, G replaced by C.
Molecular consequence: intron variant.
Genome position (GRCh38, 1-based): chr20:63,445,667, C>G on the plus strand (G>C on the coding strand, the complement: KCNQ2 is on the minus strand). VCF-style: chr20-63445667-C-G. GRCh37 (hg19) VCF-style: chr20-62077020-C-G.
Other names: c.388-303G>C (NM_004518.6, NM_172108.5, NM_172106.3 and 1 more transcripts).
Identifiers: ClinVar variation 683721 (VCV000683721.1), dbSNP rs879704305, ClinGen allele CA317462876.
Genomic context (GRCh38, chr20:63,445,667, plus strand): 5'-CCTCCCTGTCTGAGCTGGGGACTCTATCTGGGCTAGGGGACCATGTCTGAGCTGGCAGGG[C>G]TGCCCTGTCTGAGCTAGGGGGTTCTATCTGGGCTAGGGAACCCTGTCTGAGCTGGGAGGC-3'

ClinVar aggregate classification (germline): Benign (1 of 4 stars; one submission).

Allele frequency attached by ClinVar (database versions not stated): 1000 Genomes Project 30x 0.02498; gnomAD 0.60243 and 0.60383.

Submission:

GeneDx
Classification: Benign. Last evaluated: 2018-06-18. Review status: criteria provided, single submitter. Criteria: GeneDx Variant Classification (06012015). Collection method: clinical testing. Allele origin: germline. Affected: yes.
Comment: This variant is considered likely benign or benign based on one or more of the following criteria: it is a conservative change, it occurs at a poorly conserved position in the protein, it is predicted to be benign by multiple in silico algorithms, and/or has population frequency not consistent with disease.